The following is an entry in ClinVar:

NM_201253.3(CRB1):c.1094G>A (p.Arg365His)

Gene: CRB1 (crumbs cell polarity complex component 1; plus strand). Cytogenetic location: 1q31.3.
Variant type: single nucleotide variant.
Coding change: c.1094G>A on transcript NM_201253.3 (MANE Select); coding-DNA position 1094, G replaced by A.
Protein change: p.Arg365His; replaces arginine 365 with histidine.
Molecular consequence: missense variant. On other transcripts: non-coding transcript variant (2).
Genome position (GRCh38, 1-based): chr1:197,356,936, G>A. VCF-style: chr1-197356936-G-A. GRCh37 (hg19) VCF-style: chr1-197326066-G-A.
Other names: c.758G>A, p.Arg253His (NM_001193640.2); c.887G>A, p.Arg296His (NM_001257965.2); c.1094G>A, p.Arg365His (NM_001257966.2); short protein forms R253H, R296H, R365H.
Identifiers: ClinVar variation 966671 (VCV000966671.6), dbSNP rs777528044, ClinGen allele CA1311804.

ClinVar aggregate classification (germline): Conflicting classifications of pathogenicity. Review status: criteria provided, conflicting classifications (1 of 4 stars). 4 submissions from 4 submitters: Uncertain significance (2); Likely benign (1). 1 of the submissions does not count toward it. Last evaluated 2024-06-27.

Conditions:
Inborn genetic diseases. Identifiers: MedGen C0950123, MeSH D030342.
Leber congenital amaurosis (LCA). Also called: Leber's amaurosis. Identifiers: Orphanet 65, MedGen C0339527, MeSH D057130, MONDO:0018998.
Retinitis pigmentosa 12 (RP12). Also called: RP WITH OR WITHOUT PRESERVED PARAARTERIOLE RETINAL PIGMENT EPITHELIUM; RETINITIS PIGMENTOSA WITH OR WITHOUT PARAARTERIOLAR PRESERVATION OF RETINAL PIGMENT EPITHELIUM; RP WITH OR WITHOUT PPRPE. Identifiers: Orphanet 791, MedGen C1838647, MONDO:0010818, OMIM 600105.
Leber congenital amaurosis 8 (LCA8). Identifiers: Orphanet 65, MedGen C3151202, MONDO:0013453, OMIM 613835.

Allele frequency attached by ClinVar (database versions not stated): TOPMed 0.00002.
gnomAD v4.1: 47 of 1,614,016 alleles (0.0029%); highest among the groups gnomAD compares: Middle Eastern, 0.033%; no homozygotes.

Submissions (4):

Blueprint Genetics
Classification: Uncertain significance. Last evaluated: 2024-06-27. Review status: criteria provided, single submitter. Criteria: ACMG Guidelines, 2015. Collection method: clinical testing. Allele origin: germline.

Ambry Genetics
Classification: Likely benign for Inborn genetic diseases. Last evaluated: 2023-06-16. Review status: criteria provided, single submitter. Criteria: Ambry Variant Classification Scheme 2023. Collection method: clinical testing. Allele origin: germline.

Labcorp Genetics (formerly Invitae), Labcorp
Classification: Uncertain significance for Leber congenital amaurosis 8; Retinitis pigmentosa 12. Last evaluated: 2022-10-04. Review status: criteria provided, single submitter. Criteria: Invitae Variant Classification Sherloc (09022015). Collection method: clinical testing. Allele origin: germline.
Comment: This sequence change replaces arginine, which is basic and polar, with histidine, which is basic and polar, at codon 365 of the CRB1 protein (p.Arg365His). This variant is present in population databases (rs777528044, gnomAD 0.004%). This variant has not been reported in the literature in individuals affected with CRB1-related conditions. ClinVar contains an entry for this variant (Variation ID: 966671). Advanced modeling of protein sequence and biophysical properties (such as structural, functional, and spatial information, amino acid conservation, physicochemical variation, residue mobility, and thermodynamic stability) performed at Invitae indicates that this missense variant is not expected to disrupt CRB1 protein function. In summary, the available evidence is currently insufficient to determine the role of this variant in disease. Therefore, it has been classified as a Variant of Uncertain Significance.

Natera, Inc.
Classification: Uncertain significance for Leber congenital amaurosis. Last evaluated: 2020-06-18. Review status: no assertion criteria provided. Collection method: clinical testing. Allele origin: germline. Not counted in ClinVar's aggregate classification.